The following is an entry in ClinVar:

ClinVar aggregate classification (germline): Pathogenic (1 of 4 stars; one submission).

Conditions:
Neurofibromatosis, type 1 (NF1). Also called: Peripheral type neurofibromatosis; VON RECKLINGHAUSEN DISEASE; Neurofibromatosis, type I; NEUROFIBROMATOSIS, TYPE I, SOMATIC. Identifiers: Orphanet 636, MedGen C0027831, MONDO:0018975, OMIM 162200. Disease mechanism: loss of function.

Submission:

Labcorp Genetics (formerly Invitae), Labcorp
Classification: Pathogenic for Neurofibromatosis, type 1. Last evaluated: 2019-01-15. Review status: criteria provided, single submitter. Criteria: Invitae Variant Classification Sherloc (09022015). Collection method: clinical testing. Allele origin: germline.
Comment: For these reasons, this variant has been classified as Pathogenic. Loss-of-function variants in NF1 are known to be pathogenic (PMID: 10712197, 23913538). This variant has not been reported in the literature in individuals with NF1-related conditions. This variant is not present in population databases (ExAC no frequency). This sequence change creates a premature translational stop signal (p.Thr1609Leufs*2) in the NF1 gene. It is expected to result in an absent or disrupted protein product.

Literature cited by the submitters: PubMed 10712197; PubMed 23913538.

NM_001042492.3(NF1):c.4888del (p.Thr1630fs)

Gene: NF1 (neurofibromin 1; plus strand). Cytogenetic location: 17q11.2.
Variant type: Deletion.
Coding change: c.4888del on transcript NM_001042492.3 (MANE Select); coding-DNA position 4888, one base deleted (A; older notation c.4888delA).
Protein change: p.Thr1630fs; shifts the reading frame from threonine 1630.
Molecular consequence: frameshift variant.
Genome position (GRCh38, 1-based): chr17:31,325,872, A deleted. VCF-style (leftmost placement, unchanged base first): chr17-31325871-GA-G. GRCh37 (hg19) VCF-style: chr17-29652889-GA-G.
Other names: c.4825delA, p.Thr1609Leufs (NM_000267.4); short protein forms T1630fs, T1609fs.
Identifiers: ClinVar variation 845544 (VCV000845544.6), dbSNP rs2069326761, ClinGen allele CA916080609.
Genomic context (GRCh38, chr17:31,325,871, plus strand): 5'-TTTCCTTAGGTTCAAAACTGGTCAAATCAATGGTGATTTGCTGATATACCATGTCTTACT[GA>G]CTTTAAAGCCATATTATGCAAAGCCATATGAAATTGTAGTGGACCTTACCCATACCGGGC-3'